The following is an entry in ClinVar:

NM_002292.3(LAMB2):c.1037_1038del

Gene: LAMB2 (laminin subunit beta 2; minus strand). Cytogenetic location: 3p21.31.
Variant type: Microsatellite.
Coding change: c.1037_1038del on transcript NM_002292.3; coding-DNA positions 1037 to 1038, 2 bases deleted (AG; older notation c.1037_1038delAG).
Genome position (GRCh38, 1-based): chr3:49,130,418-49,130,419, CT deleted on the plus strand (AG on the coding strand, the reverse complement: LAMB2 is on the minus strand); deleting any 2 consecutive bases within chr3:49,130,418-49,130,421 gives the same sequence; the c. name uses the placement nearest the transcript's 3' end. VCF-style (leftmost placement, unchanged base first): chr3-49130417-ACT-A. GRCh37 (hg19) VCF-style: chr3-49167850-ACT-A.
Identifiers: ClinVar variation 1323180 (VCV001323180.9), dbSNP rs1170845795, ClinGen allele CA543048895.
Genomic context (GRCh38, chr3:49,130,417, plus strand): 5'-CAGATGCCAGGTATACGGCCATGTCGAAGTGGCAGCTGTGGGTGTGCCCATGGCACTCAC[ACT>A]CTGGCAGGGGAGGAAGGGCAGGGCAAAGGCCACATGAGGAACCAGGTCACAAGGGTAAGA-3'

ClinVar aggregate classification (germline): Pathogenic. Review status: criteria provided, multiple submitters, no conflicts (2 of 4 stars). 2 submissions from 2 submitters: Pathogenic (2). Last evaluated 2022-11-28.

Conditions:
LAMB2-related infantile-onset nephrotic syndrome. Also called: NEPHROTIC SYNDROME, TYPE 5, WITHOUT OCULAR ABNORMALITIES; NEPHROTIC SYNDROME, TYPE 5, WITH OCULAR ABNORMALITIES; Nephrotic Syndrome, type 5. Identifiers: Orphanet 306507, MedGen C3280113, MONDO:0013621, OMIM 614199.
Pierson syndrome. Also called: MICROCORIA-CONGENITAL NEPHROTIC SYNDROME. Identifiers: Orphanet 2670, MedGen C1836876, MONDO:0012184, OMIM 609049.

Submissions (2):

Labcorp Genetics (formerly Invitae), Labcorp
Classification: Pathogenic for LAMB2-related infantile-onset nephrotic syndrome; Pierson syndrome. Last evaluated: 2022-11-28. Review status: criteria provided, single submitter. Criteria: Invitae Variant Classification Sherloc (09022015). Collection method: clinical testing. Allele origin: germline.
Comment: This variant is present in population databases (no rsID available, gnomAD 0.002%). This sequence change creates a premature translational stop signal (p.Lys346Metfs*2) in the LAMB2 gene. It is expected to result in an absent or disrupted protein product. Loss-of-function variants in LAMB2 are known to be pathogenic (PMID: 15367484). This variant has not been reported in the literature in individuals affected with LAMB2-related conditions. ClinVar contains an entry for this variant (Variation ID: 1323180). Algorithms developed to predict the effect of sequence changes on RNA splicing suggest that this variant may disrupt the consensus splice site. For these reasons, this variant has been classified as Pathogenic.

Revvity Omics, Revvity
Classification: Pathogenic. Last evaluated: 2019-11-12. Review status: criteria provided, single submitter. Criteria: ACMG Guidelines, 2015. Collection method: clinical testing. Allele origin: germline.

Literature cited by the submitters: PubMed 15367484 (cited by Labcorp Genetics (formerly Invitae), Labcorp).